The following is an entry in ClinVar:

ClinVar aggregate classification (germline): Uncertain significance (1 of 4 stars; one submission).

Allele frequency attached by ClinVar (database versions not stated): gnomAD exomes below 0.00001; TOPMed below 0.00001; gnomAD 0.00001.
gnomAD v4.1: 3 of 1,613,784 alleles (0.00019%); highest among the groups gnomAD compares: Admixed American, 0.0017%; no homozygotes.

Submission:

Labcorp Genetics (formerly Invitae), Labcorp
Classification: Uncertain significance. Last evaluated: 2022-10-13. Review status: criteria provided, single submitter. Criteria: Invitae Variant Classification Sherloc (09022015). Collection method: clinical testing. Allele origin: germline.
Comment: This sequence change replaces aspartic acid, which is acidic and polar, with asparagine, which is neutral and polar, at codon 326 of the RIMS1 protein (p.Asp326Asn). This variant is not present in population databases (gnomAD no frequency). This variant has not been reported in the literature in individuals affected with RIMS1-related conditions. ClinVar contains an entry for this variant (Variation ID: 1371815). Algorithms developed to predict the effect of missense changes on protein structure and function are either unavailable or do not agree on the potential impact of this missense change (SIFT: "Deleterious"; PolyPhen-2: "Probably Damaging"; Align-GVGD: "Class C0"). In summary, the available evidence is currently insufficient to determine the role of this variant in disease. Therefore, it has been classified as a Variant of Uncertain Significance.

NM_014989.7(RIMS1):c.976G>A (p.Asp326Asn)

Gene: RIMS1 (regulating synaptic membrane exocytosis 1; plus strand). Cytogenetic location: 6q13.
Variant type: single nucleotide variant.
Coding change: c.976G>A on transcript NM_014989.7 (MANE Select); coding-DNA position 976, G replaced by A.
Protein change: p.Asp326Asn; replaces aspartic acid 326 with asparagine.
Molecular consequence: missense variant.
Genome position (GRCh38, 1-based): chr6:72,182,447, G>A. VCF-style: chr6-72182447-G-A. GRCh37 (hg19) VCF-style: chr6-72892150-G-A.
Other names: short protein forms D326N.
Identifiers: ClinVar variation 1371815 (VCV001371815.8), dbSNP rs2048522784, ClinGen allele CA364819889.
Genomic context (GRCh38, chr6:72,182,447, plus strand): 5'-GAAGAACGGGAGCGCAAAGAAAGGCGGGAAAGCCGAAGGCTTGAGAAAGGGCGATCACAG[G>A]ATTACCCAGACACGCCGGAAAAACGGGATGAGGGCAAAGCGGCGGATGAGGAAAAGCAAA-3'
Protein context (NP_055804.2, residues 316-336): SRRLEKGRSQ[Asp326Asn]YPDTPEKRDE